The following is an entry in ClinVar:

ClinVar aggregate classification (germline): Pathogenic/Likely pathogenic. Review status: criteria provided, multiple submitters, no conflicts (2 of 4 stars). 11 submissions from 11 submitters: Pathogenic (10); Likely pathogenic (1). Last evaluated 2025-03-10.

Conditions:
GALNS-related disorders.
Skeletal dysplasia. Also called: Primary bone dysplasia. Identifiers: Orphanet 364526, MedGen C0410528, MONDO:0018230, HP:0002652.
Mucopolysaccharidosis, MPS-IV-A (MPS4A). Also called: MPS IVA; Mucopolysaccharidosis Type IVA; Morquio syndrome A, mild; MORQUIO A DISEASE; mucopolysaccharidosis type 4A; Mucopolysaccharidosis type IV A. Identifiers: Orphanet 309297, Orphanet 582, MedGen C0086651, MONDO:0009659, OMIM 253000.

Allele frequency attached by ClinVar (database versions not stated): gnomAD 0.00002 and 0.00001; gnomAD exomes 0.00003 and 0.00002; TOPMed 0.00003; ExAC 0.00002.
gnomAD v4.1: 27 of 1,613,916 alleles (0.0017%); highest among the groups gnomAD compares: Admixed American, 0.005%; no homozygotes.

Submissions (11):

Labcorp Genetics (formerly Invitae), Labcorp
Classification: Pathogenic for Mucopolysaccharidosis, MPS-IV-A. Last evaluated: 2025-03-10. Review status: criteria provided, single submitter. Criteria: Invitae Variant Classification Sherloc (09022015). Collection method: clinical testing. Allele origin: germline.
Comment: This sequence change replaces glycine, which is neutral and non-polar, with arginine, which is basic and polar, at codon 155 of the GALNS protein (p.Gly155Arg). This variant is present in population databases (rs398123438, gnomAD 0.006%). This missense change has been observed in individual(s) with mucopolysaccharidosis type IVA (PMID: 24120057, 32024277). ClinVar contains an entry for this variant (Variation ID: 93178). Invitae Evidence Modeling of protein sequence and biophysical properties (such as structural, functional, and spatial information, amino acid conservation, physicochemical variation, residue mobility, and thermodynamic stability) indicates that this missense variant is expected to disrupt GALNS protein function with a positive predictive value of 95%. For these reasons, this variant has been classified as Pathogenic.

3billion
Classification: Pathogenic for Mucopolysaccharidosis, MPS-IV-A. Last evaluated: 2024-11-04. Review status: criteria provided, single submitter. Criteria: ACMG Guidelines, 2015. Collection method: clinical testing. Allele origin: germline. Affected: yes.
Comment: The variant is observed at an extremely low frequency in the gnomAD v4.1.0 dataset (total allele frequency: 0.002%). Predicted Consequence/Location: Missense variant In silico tool predictions suggest damaging effect of the variant on gene or gene product [REVEL: 0.98 (>=0.6, sensitivity 0.68 and specificity 0.92); 3Cnet: 0.99 (>=0.6, sensitivity 0.72 and precision 0.9)]. The same nucleotide change resulting in the same amino acid change has been previously reported as pathogenic/likely pathogenic with strong evidence (ClinVar ID: VCV000093178 /PMID: 9298823). The variant has been observed in at least two similarly affected unrelated individuals (PMID: 24120057, 32024277). A different missense change at the same codon (p.Gly155Glu) has been reported to be associated with GALNS related disorder (PMID: 15235041). Therefore, this variant is classified as Pathogenic according to the recommendation of ACMG/AMP guideline.

Fulgent Genetics
Classification: Pathogenic for Mucopolysaccharidosis, MPS-IV-A. Last evaluated: 2024-05-16. Review status: criteria provided, single submitter. Criteria: ACMG Guidelines, 2015. Collection method: clinical testing. Allele origin: germline.

Mayo Clinic Laboratories, Mayo Clinic
Classification: Pathogenic. Last evaluated: 2023-02-15. Review status: criteria provided, single submitter. Criteria: ACMG Guidelines, 2015. Collection method: clinical testing. Allele origin: germline. Observed: 1 variant allele.
Comment: PP3, PP4, PM2, PM3_strong, PS4_moderate

Blueprint Genetics
Classification: Pathogenic for GALNS-related disorders. Last evaluated: 2022-09-20. Review status: criteria provided, single submitter. Criteria: ACMG Guidelines, 2015. Collection method: clinical testing. Allele origin: germline. Affected: yes. Observed: 3 variant alleles.

Revvity Omics, Revvity
Classification: Likely pathogenic for Mucopolysaccharidosis, MPS-IV-A. Last evaluated: 2022-04-04. Review status: criteria provided, single submitter. Criteria: ACMG Guidelines, 2015. Collection method: clinical testing. Allele origin: germline.

Genome-Nilou Lab
Classification: Pathogenic for Mucopolysaccharidosis, MPS-IV-A. Last evaluated: 2021-11-07. Review status: criteria provided, single submitter. Criteria: ACMG Guidelines, 2015. Collection method: clinical testing. Allele origin: germline. Affected: no.

Genetics and Molecular Pathology, SA Pathology
Classification: Pathogenic for Skeletal dysplasia. Last evaluated: 2021-10-21. Review status: criteria provided, single submitter. Criteria: ACMG Guidelines, 2015. Collection method: clinical testing. Allele origin: germline. Affected: yes.

CeGaT Center for Human Genetics Tuebingen
Classification: Pathogenic. Last evaluated: 2021-04-01. Review status: criteria provided, single submitter. Criteria: CeGaT Center For Human Genetics Tuebingen Variant Classification Criteria Version 2. Collection method: clinical testing. Allele origin: germline. Affected: yes. Observed: 3 variant alleles.

Laboratory of Diagnosis and Therapy of Lysosomal Disorders, University of Padova
Classification: Pathogenic for Mucopolysaccharidosis, MPS-IV-A. Last evaluated: 2021-02-01. Review status: criteria provided, single submitter. Criteria: ACMG Guidelines, 2015. Collection method: research. Allele origin: germline. Affected: yes.
Comment: In vitro and in vivo functional studies supportive of a damaging effect on the gene product (low to null enzymatic activity in homozygotes; low to null in vitro enzymatic activity; PS3_strong); the prevalence of the variant in affected individuals is significantly increased compared with the prevalence in controls (PS4_strong); very low frequency in gnomAD v2.1.1 (PM2_moderate); multiple lines of computational evidence support a deleterious effect on the gene (PP3_supporting)

Eurofins Ntd Llc (ga)
Classification: Pathogenic. Last evaluated: 2013-06-13. Review status: criteria provided, single submitter. Criteria: EGL Classification Definitions. Collection method: clinical testing. Allele origin: germline. Observed: 1 variant allele, 1 heterozygote.

Literature cited by the submitters: PubMed 24120057 (cited by Labcorp Genetics (formerly Invitae), Labcorp and 3billion); PubMed 32024277 (cited by 4 submitters); PubMed 15235041 (cited by 3billion); PubMed 9298823 (cited by 3 submitters); PubMed 20574428 (cited by Mayo Clinic Laboratories, Mayo Clinic and Laboratory of Diagnosis and Therapy of Lysosomal Disorders, University of Padova); PubMed 22521955 (cited by Mayo Clinic Laboratories, Mayo Clinic and Laboratory of Diagnosis and Therapy of Lysosomal Disorders, University of Padova); PubMed 23137060 (cited by Mayo Clinic Laboratories, Mayo Clinic and Laboratory of Diagnosis and Therapy of Lysosomal Disorders, University of Padova); PubMed 25252036 (cited by Mayo Clinic Laboratories, Mayo Clinic and Laboratory of Diagnosis and Therapy of Lysosomal Disorders, University of Padova); PubMed 25545067 (cited by Mayo Clinic Laboratories, Mayo Clinic and Laboratory of Diagnosis and Therapy of Lysosomal Disorders, University of Padova); PubMed 30305043 (cited by Mayo Clinic Laboratories, Mayo Clinic and Laboratory of Diagnosis and Therapy of Lysosomal Disorders, University of Padova); PubMed 31200731 (cited by Mayo Clinic Laboratories, Mayo Clinic and Laboratory of Diagnosis and Therapy of Lysosomal Disorders, University of Padova); PubMed 31991612 (cited by Mayo Clinic Laboratories, Mayo Clinic and Laboratory of Diagnosis and Therapy of Lysosomal Disorders, University of Padova); PubMed 34387910 (cited by Mayo Clinic Laboratories, Mayo Clinic and Laboratory of Diagnosis and Therapy of Lysosomal Disorders, University of Padova); PubMed 35212421 (cited by Mayo Clinic Laboratories, Mayo Clinic).

NM_000512.5(GALNS):c.463G>A (p.Gly155Arg)

Gene: GALNS (galactosamine (N-acetyl)-6-sulfatase; minus strand). Cytogenetic location: 16q24.3.
Variant type: single nucleotide variant.
Coding change: c.463G>A on transcript NM_000512.5 (MANE Select); coding-DNA position 463, G replaced by A.
Protein change: p.Gly155Arg; replaces glycine 155 with arginine.
Molecular consequence: missense variant. On other transcripts: 5 prime UTR variant (1).
Genome position (GRCh38, 1-based): chr16:88,837,725, C>T on the plus strand (G>A on the coding strand, the complement: GALNS is on the minus strand). VCF-style: chr16-88837725-C-T. GRCh37 (hg19) VCF-style: chr16-88904133-C-T.
Other names: c.-93G>A (NM_001323543.2); c.481G>A, p.Gly161Arg (NM_001323544.2); short protein forms G155R, G161R.
Identifiers: ClinVar variation 93178 (VCV000093178.55), dbSNP rs398123438, ClinGen allele CA221057.